The following is an entry in ClinVar:

ClinVar aggregate classification (germline): Uncertain significance (1 of 4 stars; one submission).

Conditions:
Retinitis pigmentosa 20 (RP20). Identifiers: Orphanet 791, MedGen C3151086, MONDO:0013425, OMIM 613794.
Leber congenital amaurosis 2 (LCA2). Also called: AMAUROSIS CONGENITA OF LEBER II; Autosomal Recessive RPE65-Related Retinal Degeneration. Identifiers: Orphanet 65, MedGen C1859844, MONDO:0008765, OMIM 204100. Disease mechanism: loss of function.

Submission:

Labcorp Genetics (formerly Invitae), Labcorp
Classification: Uncertain significance for Leber congenital amaurosis 2; Retinitis pigmentosa 20. Last evaluated: 2025-06-18. Review status: criteria provided, single submitter. Criteria: Invitae Variant Classification Sherloc (09022015). Collection method: clinical testing. Allele origin: germline.
Comment: This sequence change replaces aspartic acid, which is acidic and polar, with tyrosine, which is neutral and polar, at codon 218 of the RPE65 protein (p.Asp218Tyr). This variant is not present in population databases (gnomAD no frequency). This variant has not been reported in the literature in individuals affected with RPE65-related conditions. ClinVar contains an entry for this variant (Variation ID: 1719508). Invitae Evidence Modeling of protein sequence and biophysical properties (such as structural, functional, and spatial information, amino acid conservation, physicochemical variation, residue mobility, and thermodynamic stability) has been performed for this missense variant. However, the output from this modeling did not meet the statistical confidence thresholds required to predict the impact of this variant on RPE65 protein function. Algorithms developed to predict the effect of sequence changes on RNA splicing suggest that this variant may disrupt the consensus splice site. In summary, the available evidence is currently insufficient to determine the role of this variant in disease. Therefore, it has been classified as a Variant of Uncertain Significance.

NM_000329.3(RPE65):c.652G>T (p.Asp218Tyr)

Gene: RPE65 (retinoid isomerohydrolase RPE65; minus strand). Cytogenetic location: 1p31.3.
Variant type: single nucleotide variant.
Coding change: c.652G>T on transcript NM_000329.3 (MANE Select); coding-DNA position 652, G replaced by T.
Protein change: p.Asp218Tyr; replaces aspartic acid 218 with tyrosine.
Molecular consequence: missense variant.
Genome position (GRCh38, 1-based): chr1:68,439,634, C>A on the plus strand (G>T on the coding strand, the complement: RPE65 is on the minus strand). VCF-style: chr1-68439634-C-A. GRCh37 (hg19) VCF-style: chr1-68905317-C-A.
Other names: c.544G>T, p.Asp182Tyr (NM_001406853.1); c.376G>T, p.Asp126Tyr (NM_001406856.1, NM_001406857.1); c.652G>T, p.Asp218Tyr (NM_001406859.1); short protein forms D126Y, D182Y, D218Y.
Identifiers: ClinVar variation 1719508 (VCV001719508.5), dbSNP rs2523428095, ClinGen allele CA340746060.
Genomic context (GRCh38, chr1:68,439,634, plus strand): 5'-ATGGCTTGAATCGGTCACTGCAGGGGAATTGTACAACGATCTCTGACTTGCTTATTGGAT[C>A]TTCCTTGTCTGAAATAAAGTGGTTTTAAAAGGCTTTGGAAGAGCCTCTTATTTTTTTTTT-3'
Protein context (NP_000320.1, residues 208-228): KIPPLQADKE[Asp218Tyr]PISKSEIVVQ